The following is an entry in ClinVar:

NM_001172509.2(SATB2):c.266A>G (p.Lys89Arg)

Gene: SATB2 (SATB homeobox 2; minus strand). Cytogenetic location: 2q33.1.
Variant type: single nucleotide variant.
Coding change: c.266A>G on transcript NM_001172509.2 (MANE Select); coding-DNA position 266, A replaced by G.
Protein change: p.Lys89Arg; replaces lysine 89 with arginine.
Molecular consequence: missense variant. On other transcripts: non-coding transcript variant (1).
Genome position (GRCh38, 1-based): chr2:199,433,418, T>C on the plus strand (A>G on the coding strand, the complement: SATB2 is on the minus strand). VCF-style: chr2-199433418-T-C. GRCh37 (hg19) VCF-style: chr2-200298141-T-C.
Other names: c.266A>G, p.Lys89Arg (NM_001172517.1, NM_015265.4); c.266A>G (NM_015265.3); short protein forms K89R.
Identifiers: ClinVar variation 2192229 (VCV002192229.6), dbSNP rs769528257, ClinGen allele CA2046122.

ClinVar aggregate classification (germline): Conflicting classifications of pathogenicity. Review status: criteria provided, conflicting classifications (1 of 4 stars). 3 submissions from 3 submitters: Uncertain significance (1); Likely benign (2). Last evaluated 2026-08-01.

Conditions:
Inborn genetic diseases. Identifiers: MedGen C0950123, MeSH D030342.
Chromosome 2q32-q33 deletion syndrome (GLASS). Also called: 2q33.1 deletion syndrome; Glass syndrome. Identifiers: Orphanet 251019, MedGen C2676739, MONDO:0012864, OMIM 612313.

Allele frequency attached by ClinVar (database versions not stated): ExAC 0.00001; gnomAD exomes 0.00002; gnomAD 0.00003; TOPMed 0.00003.
gnomAD v4.1: 27 of 1,614,040 alleles (0.0017%); highest among the groups gnomAD compares: Non-Finnish European, 0.0022%; no homozygotes.

Submissions (3):

CeGaT Center for Human Genetics Tuebingen
Classification: Likely benign. Last evaluated: 2026-08-01. Review status: criteria provided, single submitter. Criteria: CeGaT Center For Human Genetics Tuebingen Variant Classification Criteria Version 2. Collection method: clinical testing. Allele origin: germline. Affected: yes. Observed: 1 variant allele.
Comment: SATB2: BS2

Labcorp Genetics (formerly Invitae), Labcorp
Classification: Uncertain significance for Chromosome 2q32-q33 deletion syndrome. Last evaluated: 2023-04-22. Review status: criteria provided, single submitter. Criteria: Invitae Variant Classification Sherloc (09022015). Collection method: clinical testing. Allele origin: germline.
Comment: In summary, the available evidence is currently insufficient to determine the role of this variant in disease. Therefore, it has been classified as a Variant of Uncertain Significance. Advanced modeling performed at Invitae incorporating data from internal and/or published experimental studies (Invitae) indicates that this missense variant is not expected to disrupt SATB2 function. ClinVar contains an entry for this variant (Variation ID: 2192229). This variant has not been reported in the literature in individuals affected with SATB2-related conditions. This variant is present in population databases (rs769528257, gnomAD 0.002%). This sequence change replaces lysine, which is basic and polar, with arginine, which is basic and polar, at codon 89 of the SATB2 protein (p.Lys89Arg).

Ambry Genetics
Classification: Likely benign for Inborn genetic diseases. Last evaluated: 2022-08-08. Review status: criteria provided, single submitter. Criteria: Ambry Variant Classification Scheme 2023. Collection method: clinical testing. Allele origin: germline.